The following is an entry in ClinVar:

NM_001605.3(AARS1):c.988C>T (p.Arg330Ter)

Gene: AARS1 (alanyl-tRNA synthetase 1; minus strand). Cytogenetic location: 16q22.1.
Variant type: single nucleotide variant.
Coding change: c.988C>T on transcript NM_001605.3 (MANE Select); coding-DNA position 988, C replaced by T.
Protein change: p.Arg330Ter; replaces arginine 330 with a stop codon.
Molecular consequence: nonsense.
Genome position (GRCh38, 1-based): chr16:70,268,354, G>A on the plus strand (C>T on the coding strand, the complement: AARS1 is on the minus strand). VCF-style: chr16-70268354-G-A. GRCh37 (hg19) VCF-style: chr16-70302257-G-A.
Other names: short protein forms R330*.
Identifiers: ClinVar variation 807355 (VCV000807355.10), dbSNP rs758183257, ClinGen allele CA8140958.

ClinVar aggregate classification (germline): Pathogenic/Likely pathogenic. Review status: criteria provided, multiple submitters, no conflicts (2 of 4 stars). 3 submissions from 3 submitters: Pathogenic (2); Likely pathogenic (1). Last evaluated 2023-08-10.

Conditions:
AARS-related disorder. Also called: AARS-related disorders.
Charcot-Marie-Tooth disease type 2. Also called: Charcot-Marie-Tooth type 2. Identifiers: Orphanet 64746, MedGen C0270914, MONDO:0018993.
Developmental and epileptic encephalopathy, 29 (DEE29). Also called: Epileptic encephalopathy, early infantile, 29. Identifiers: Orphanet 442835, MedGen C4225361, MONDO:0014593, OMIM 616339.

Allele frequency attached by ClinVar (database versions not stated): ExAC 0.00001; gnomAD 0.00001; TOPMed 0.00001.
gnomAD v4.1: 7 of 1,614,014 alleles (0.00043%); highest among the groups gnomAD compares: East Asian, 0.0067%; no homozygotes.

Submissions (3):

Labcorp Genetics (formerly Invitae), Labcorp
Classification: Pathogenic for Charcot-Marie-Tooth disease type 2. Last evaluated: 2023-08-10. Review status: criteria provided, single submitter. Criteria: Invitae Variant Classification Sherloc (09022015). Collection method: clinical testing. Allele origin: germline.
Comment: ClinVar contains an entry for this variant (Variation ID: 807355). This premature translational stop signal has been observed in individual(s) with autosomal recessive encephalopathy (PMID: 34446925). This variant is present in population databases (rs758183257, gnomAD 0.006%). This sequence change creates a premature translational stop signal (p.Arg330*) in the AARS gene. It is expected to result in an absent or disrupted protein product. Loss-of-function variants in AARS are known to be pathogenic (PMID: 25817015, 28493438, 34446925). For these reasons, this variant has been classified as Pathogenic.

Blueprint Genetics
Classification: Likely pathogenic for AARS-related disorders. Last evaluated: 2023-06-02. Review status: criteria provided, single submitter. Criteria: ACMG Guidelines, 2015. Collection method: clinical testing. Allele origin: germline. Affected: yes. Observed: 1 variant allele.

Institute of Human Genetics Munich, TUM University Hospital
Classification: Pathogenic for Developmental and epileptic encephalopathy, 29. Last evaluated: 2019-02-14. Review status: criteria provided, single submitter. Criteria: Classification criteria August 2017. Collection method: clinical testing. Allele origin: germline. Inheritance: Autosomal recessive inheritance. Affected: yes. Observed: 1 compound heterozygote.

Literature cited by the submitters: PubMed 34446925 (cited by Labcorp Genetics (formerly Invitae), Labcorp); PubMed 25817015 (cited by Labcorp Genetics (formerly Invitae), Labcorp); PubMed 28493438 (cited by Labcorp Genetics (formerly Invitae), Labcorp).